The following is an entry in ClinVar:

NM_016111.4(TELO2):c.1207C>T (p.Arg403Ter)

Gene: TELO2 (telomere maintenance 2; plus strand). Cytogenetic location: 16p13.3.
Variant type: single nucleotide variant.
Coding change: c.1207C>T on transcript NM_016111.4 (MANE Select); coding-DNA position 1207, C replaced by T.
Protein change: p.Arg403Ter; replaces arginine 403 with a stop codon.
Molecular consequence: nonsense.
Genome position (GRCh38, 1-based): chr16:1,500,625, C>T. VCF-style: chr16-1500625-C-T. GRCh37 (hg19) VCF-style: chr16-1550626-C-T.
Other names: c.1207C>T, p.Arg403Ter (NM_001351846.2); short protein forms R403*.
Identifiers: ClinVar variation 1927535 (VCV001927535.8), dbSNP rs572431474, ClinGen allele CA7811999.

ClinVar aggregate classification (germline): Pathogenic/Likely pathogenic. Review status: criteria provided, multiple submitters, no conflicts (2 of 4 stars). 4 submissions from 4 submitters: Pathogenic (3); Likely pathogenic (1). Last evaluated 2026-02-13.

Conditions:
TELO2-related intellectual disability-neurodevelopmental disorder. Also called: You-Hoover-Fong syndrome. Identifiers: Orphanet 488642, MedGen C4310778, MONDO:0014848, OMIM 616954.

Allele frequency attached by ClinVar (database versions not stated): TOPMed below 0.00001; gnomAD exomes 0.00001; gnomAD 0.00003; ExAC 0.00004; 1000 Genomes Project 30x 0.00016; 1000 Genomes Project 0.00020.

Submissions (4):

OLLIN Analises Genomicas, OLLIN
Classification: Likely pathogenic for TELO2-related intellectual disability-neurodevelopmental disorder. Last evaluated: 2026-02-13. Review status: criteria provided, single submitter. Criteria: ACMG Guidelines 2015 PMID 25741868. Collection method: clinical testing. Allele origin: germline. Observed: 1 variant allele.
Comment: PVS1, PM2_P

Dasa
Classification: Pathogenic. Last evaluated: 2026-01-19. Review status: criteria provided, single submitter. Criteria: DASA Assertion Criteria. Collection method: clinical testing. Allele origin: germline.
Comment: NM_016111.4(TELO2):c.1207C>T (p.Arg403*) introduces a premature stop codon predicted to result in loss of normal protein function. Loss-of-function is an established mechanism of disease for this gene, and this variant has been reported in individuals with TELO2-related neurodevelopmental disorder. Based on the available data, this variant is classified as pathogenic.

Laboratorio de Genetica e Diagnostico Molecular, Hospital Israelita Albert Einstein
Classification: Pathogenic for TELO2-related intellectual disability-neurodevelopmental disorder. Last evaluated: 2025-12-31. Review status: criteria provided, single submitter. Criteria: ACMG Guidelines, 2015. Collection method: clinical testing. Allele origin: germline. Affected: yes.
Comment: ACMG classification criteria: PVS1 very strong, PM2 supporting, PM3 moderate

Labcorp Genetics (formerly Invitae), Labcorp
Classification: Pathogenic. Last evaluated: 2023-08-24. Review status: criteria provided, single submitter. Criteria: Invitae Variant Classification Sherloc (09022015). Collection method: clinical testing. Allele origin: germline.
Comment: ClinVar contains an entry for this variant (Variation ID: 1927535). For these reasons, this variant has been classified as Pathogenic. This premature translational stop signal has been observed in individual(s) with You-Hoover-Fong syndrome (PMID: 36797513). This variant is present in population databases (rs572431474, gnomAD 0.007%). This sequence change creates a premature translational stop signal (p.Arg403*) in the TELO2 gene. It is expected to result in an absent or disrupted protein product. Loss-of-function variants in TELO2 are known to be pathogenic (PMID: 28944240).

Literature cited by the submitters: PubMed 36797513 (cited by Dasa and Labcorp Genetics (formerly Invitae), Labcorp); PubMed 28944240 (cited by Labcorp Genetics (formerly Invitae), Labcorp).